The following is an entry in ClinVar:

NM_004287.5(GOSR2):c.22dup (p.Thr8fs)

Genes: GOSR2 (golgi SNAP receptor complex member 2; plus strand), LRRC37A2 (leucine rich repeat containing 37 member A2). Cytogenetic location: 17q21.32.
Variant type: Duplication.
Coding change: c.22dup on transcript NM_004287.5 (MANE Select); coding-DNA position 22, one base duplicated (A; older notation c.22dupA).
Protein change: p.Thr8fs; shifts the reading frame from threonine 8.
Molecular consequence: frameshift variant. On other transcripts: 5 prime UTR variant (2), non-coding transcript variant (3).
Genome position (GRCh38, 1-based): chr17:46,923,214, A duplicated; the last of 3 consecutive A bases (chr17:46,923,212-46,923,214); duplicating any one gives the same sequence. VCF-style (leftmost placement, unchanged base first): chr17-46923211-C-CA. GRCh37 (hg19) VCF-style: chr17-45000577-C-CA.
Other names: p.Thr8Asnfs*54; c.22dup, p.Thr8fs (NM_001012511.3, NM_001321133.2, NM_001330252.2 and 4 more transcripts); c.-81dup (NM_001321134.2); c.-444dup (NM_001363851.2); c.22dupA (NM_004287.4); c.22dup (NM_004287.4); short protein forms T8fs.
Identifiers: ClinVar variation 405440 (VCV000405440.18), dbSNP rs746855352, ClinGen allele CA8621102.

ClinVar aggregate classification (germline): Pathogenic/Likely pathogenic. Review status: criteria provided, multiple submitters, no conflicts (2 of 4 stars). 9 submissions from 9 submitters: Pathogenic (5); Likely pathogenic (3). 1 of the submissions does not count toward it. Last evaluated 2026-01-12.

Conditions:
GOSR2-related disorder. Also called: GOSR2-related disorders; GOSR2-related condition.
Autosomal recessive GOSR2-related disorders.
Inborn genetic diseases. Identifiers: MedGen C0950123, MeSH D030342.
Progressive myoclonic epilepsy. Also called: Familial progressive myoclonic epilepsy; Myoclonic Epilepsies, Progressive; Myoclonus epilepsy; Progressive myoclonus epilepsy. Identifiers: Orphanet 308, Orphanet 98261, MedGen C0751778, MONDO:0020074.
Muscular dystrophy. Identifiers: Orphanet 98473, MedGen C0026850, MeSH D009136, MONDO:0020121, HP:0003560.

Submissions (9):

Labcorp Genetics (formerly Invitae), Labcorp
Classification: Pathogenic for Progressive myoclonic epilepsy. Last evaluated: 2026-01-12. Review status: criteria provided, single submitter. Criteria: Invitae Variant Classification Sherloc (09022015). Collection method: clinical testing. Allele origin: germline.
Comment: This sequence change creates a premature translational stop signal (p.Thr8Asnfs*54) in the GOSR2 gene. It is expected to result in an absent or disrupted protein product. Loss-of-function variants in GOSR2 are known to be pathogenic (PMID: 21549339). This variant is present in population databases (rs746855352, gnomAD 0.008%). This variant has not been reported in the literature in individuals affected with GOSR2-related conditions. ClinVar contains an entry for this variant (Variation ID: 405440). For these reasons, this variant has been classified as Pathogenic.

Variantyx, Inc.
Classification: Pathogenic for Autosomal recessive GOSR2-related disorders. Last evaluated: 2025-05-08. Review status: criteria provided, single submitter. Criteria: Variantyx Assertion Criteria 2022. Collection method: clinical testing. Allele origin: germline. Inheritance: Autosomal recessive inheritance. Affected: no.
Comment: This is a frameshift variant in the GOSR2 gene (OMIM: 604027). Pathogenic variants in this gene have been associated with autosomal recessive GOSR2-related disorders. This variant introduces a premature termination codon in exon 1 out of 6 and is expected to result in loss of function, which is a known disease mechanism for GOSR2 in these disorders (PVS1). This variant has been identified in the compound heterozygous state in at least one individual reported in the published literature (PMID: 39035823) (PM3), and it has a 0.0133% maximum allele frequency in non-founder control populations (PM2). Based on the current evidence, this variant is classified as pathogenic for autosomal recessive GOSR2-related disorders.

Revvity Omics, Revvity
Classification: Likely pathogenic. Last evaluated: 2024-04-15. Review status: criteria provided, single submitter. Criteria: ACMG Guidelines, 2015. Collection method: clinical testing. Allele origin: germline.

Women's Health and Genetics/Laboratory Corporation of America, LabCorp
Classification: Pathogenic for GOSR2-Related Disorders. Last evaluated: 2023-05-12. Review status: criteria provided, single submitter. Criteria: LabCorp Variant Classification Summary - May 2015. Collection method: clinical testing. Allele origin: germline.
Comment: Variant summary: GOSR2 c.22dupA (p.Thr8AsnfsX54) results in a premature termination codon, predicted to cause a truncation of the encoded protein or absence of the protein due to nonsense mediated decay, which are commonly known mechanisms for disease. Variants downstream of this position have been classified as pathogenic in ClinVar. The variant allele was found at a frequency of 3.2e-05 in 154034 control chromosomes. To our knowledge, no occurrence of c.22dupA in individuals affected with GOSR2-Related Disorders and no experimental evidence demonstrating its impact on protein function have been reported. Three clinical diagnostic laboratories have submitted clinical-significance assessments for this variant to ClinVar after 2014 without evidence for independent evaluation. All laboratories classified the variant as pathogenic (n=2) or likely pathogenic (n=1). Based on the evidence outlined above, the variant was classified as pathogenic.

GeneDx
Classification: Likely pathogenic. Last evaluated: 2023-02-16. Review status: criteria provided, single submitter. Criteria: GeneDx Variant Classification Process June 2021. Collection method: clinical testing. Allele origin: germline. Affected: yes.
Comment: Frameshift variant predicted to result in protein truncation or nonsense mediated decay in a gene for which loss-of-function is a known mechanism of disease; Not observed at significant frequency in large population cohorts (gnomAD); Has not been previously published as pathogenic or benign to our knowledge

Mayo Clinic Laboratories, Mayo Clinic
Classification: Pathogenic. Last evaluated: 2022-03-17. Review status: criteria provided, single submitter. Criteria: ACMG Guidelines, 2015. Collection method: clinical testing. Allele origin: germline. Observed: 1 variant allele.
Comment: PM2, PM3, PVS1

Blueprint Genetics
Classification: Likely pathogenic for GOSR2-related disorders. Last evaluated: 2022-03-03. Review status: criteria provided, single submitter. Criteria: ACMG Guidelines, 2015. Collection method: clinical testing. Allele origin: germline. Affected: yes. Observed: 5 variant alleles.

Ambry Genetics
Classification: Pathogenic for Inborn genetic diseases. Last evaluated: 2017-06-29. Review status: criteria provided, single submitter. Criteria: Ambry Variant Classification Scheme 2023. Collection method: clinical testing. Allele origin: germline.
Comment: The c.22dupA mutation, located in coding exon 1 of the GOSR2 gene, results from a duplication of A at nucleotide position 22, causing a translational frameshift with a predicted alternate stop codon (p.T8Nfs*54). This alteration is expected to result in loss of function by premature protein truncation or nonsense-mediated mRNA decay. As such, this alteration is interpreted as a disease-causing mutation.

PreventionGenetics, part of Exact Sciences
Classification: Uncertain significance for GOSR2-related condition. Last evaluated: 2024-01-27. Review status: no assertion criteria provided. Collection method: clinical testing. Allele origin: germline. Not counted in ClinVar's aggregate classification.
Comment: The GOSR2 c.22dupA variant is predicted to result in a frameshift and premature protein termination (p.Thr8Asnfs*54). To our knowledge, this variant has not been reported in the literature. This variant is reported in 0.0081% of alleles in individuals of European (Non-Finnish) descent in gnomAD. This variant occurs in the gene's first coding exon, upstream of all previously reported disease-associated GOSR2 variants. An alternative in-frame start codon is present less than 20 amino acids downstream in exon 2. Although we suspect this variant may be pathogenic, at this time, the clinical significance is uncertain due to the absence of conclusive functional and genetic evidence.

Literature cited by the submitters: PubMed 21549339 (cited by Labcorp Genetics (formerly Invitae), Labcorp); PubMed 39035823 (cited by Variantyx, Inc.).